The following is an entry in ClinVar:

ClinVar aggregate classification (germline): Uncertain significance (1 of 4 stars; one submission).

Conditions:
Heart defect - tongue hamartoma - polysyndactyly syndrome. Also called: Congenital heart defects, hamartomas of tongue, and polysyndactyly. Identifiers: Orphanet 1338, MedGen C1857587, MONDO:0009008, OMIM 217085.

Submission:

HudsonAlpha Institute for Biotechnology
Classification: Uncertain significance for Heart defect - tongue hamartoma - polysyndactyly syndrome. Last evaluated: 2021-05-26. Review status: criteria provided, single submitter. Criteria: ACMG Guidelines, 2015. Collection method: research. Allele origin: inherited. Affected: yes. Observed: 1 compound heterozygote. Study: CSER-SouthSeq.
Comment: ACMG codes:PM2; PP3

NM_015910.7(WDPCP):c.1780G>A (p.Ala594Thr)

Gene: WDPCP (WD repeat containing planar cell polarity effector; minus strand). Cytogenetic location: 2p15.
Variant type: single nucleotide variant.
Coding change: c.1780G>A on transcript NM_015910.7 (MANE Select); coding-DNA position 1780, G replaced by A.
Protein change: p.Ala594Thr; replaces alanine 594 with threonine.
Molecular consequence: missense variant. On other transcripts: non-coding transcript variant (3).
Genome position (GRCh38, 1-based): chr2:63,313,280, C>T on the plus strand (G>A on the coding strand, the complement: WDPCP is on the minus strand). VCF-style: chr2-63313280-C-T. GRCh37 (hg19) VCF-style: chr2-63540415-C-T.
Other names: c.1303G>A, p.Ala435Thr (NM_001042692.3); c.1708G>A, p.Ala570Thr (NM_001354044.2); short protein forms A435T, A570T, A594T.
Identifiers: ClinVar variation 1172556 (VCV001172556.1), dbSNP rs2103954230, ClinGen allele CA347063989.